The following is an entry in ClinVar:

NM_004370.6(COL12A1):c.6200T>C (p.Ile2067Thr)

Gene: COL12A1 (collagen type XII alpha 1 chain; minus strand). Cytogenetic location: 6q13.
Variant type: single nucleotide variant.
Coding change: c.6200T>C on transcript NM_004370.6 (MANE Select); coding-DNA position 6200, T replaced by C.
Protein change: p.Ile2067Thr; replaces isoleucine 2067 with threonine.
Molecular consequence: missense variant.
Genome position (GRCh38, 1-based): chr6:75,130,101, A>G on the plus strand (T>C on the coding strand, the complement: COL12A1 is on the minus strand). VCF-style: chr6-75130101-A-G. GRCh37 (hg19) VCF-style: chr6-75839817-A-G.
Other names: c.2708T>C, p.Ile903Thr (NM_080645.3); short protein forms I2067T, I903T.
Identifiers: ClinVar variation 945898 (VCV000945898.12), dbSNP rs755180015, ClinGen allele CA3892874.
Genomic context (GRCh38, chr6:75,130,101, plus strand): 5'-CCATTCAGCTAAGATGATAAAATGTGCCAATAAATGAGTATCAGACTTACATATTCATCA[A>G]TTGGATCACCAACAGTGGGAGAATAGATGATCCTGTACTGCTGAACTGGCCCATCAGCAT-3'
Protein context (NP_004361.3, residues 2057-2077): IIYSPTVGDP[Ile2067Thr]DEYTTVPGRR

ClinVar aggregate classification (germline): Conflicting classifications of pathogenicity. Review status: criteria provided, conflicting classifications (1 of 4 stars). 3 submissions from 3 submitters: Uncertain significance (2); Likely benign (1). Last evaluated 2026-02-04.

Conditions:
Inborn genetic diseases. Identifiers: MedGen C0950123, MeSH D030342.
Ullrich congenital muscular dystrophy 2 (UCMD2). Identifiers: Orphanet 75840, MedGen C4225314, MONDO:0014654, OMIM 616470.
Bethlem myopathy 2 (BTHLM2). Identifiers: Orphanet 536516, Orphanet 610, MedGen C4225313, MONDO:0034022, OMIM 616471.

Allele frequency attached by ClinVar (database versions not stated): ExAC 0.00001; gnomAD exomes 0.00002; TOPMed 0.00002; gnomAD 0.00003.
gnomAD v4.1: 25 of 1,613,264 alleles (0.0015%); highest among the groups gnomAD compares: East Asian, 0.016%; no homozygotes.

Submissions (3):

Women's Health and Genetics/Laboratory Corporation of America, LabCorp
Classification: Uncertain significance. Last evaluated: 2026-02-04. Review status: criteria provided, single submitter. Criteria: LabCorp Variant Classification Summary - May 2015. Collection method: clinical testing. Allele origin: germline.
Comment: Variant summary: COL12A1 c.6200T>C (p.Ile2067Thr) results in a non-conservative amino acid change in the encoded protein sequence. Algorithms developed to predict the effect of missense changes on protein structure and function are either unavailable or do not agree on the potential impact of this missense change. The variant allele was found at a frequency of 2e-05 in 248000 control chromosomes. The available data on variant occurrences in the general population are insufficient to allow any conclusion about variant significance. To our knowledge, no occurrence of c.6200T>C in individuals affected with COL12A1-related conditions and no experimental evidence demonstrating its impact on protein function have been reported. ClinVar contains an entry for this variant (Variation ID: 945898). Based on the evidence outlined above, the variant was classified as uncertain significance.

Ambry Genetics
Classification: Uncertain significance for Inborn genetic diseases. Last evaluated: 2025-12-03. Review status: criteria provided, single submitter. Criteria: Ambry Variant Classification Scheme 2023. Collection method: clinical testing. Allele origin: germline.

Labcorp Genetics (formerly Invitae), Labcorp
Classification: Likely benign for Bethlem myopathy 2; Ullrich congenital muscular dystrophy 2. Last evaluated: 2025-12-03. Review status: criteria provided, single submitter. Criteria: Invitae Variant Classification Sherloc (09022015). Collection method: clinical testing. Allele origin: germline.